The following is an entry in ClinVar:

ClinVar aggregate classification (germline): Likely benign (0 of 4 stars; one submission).

Conditions:
LRP1B-related disorder. Also called: LRP1B-related condition.

gnomAD v4.1: 51 of 1,613,370 alleles (0.0032%); highest among the groups gnomAD compares: African/African-American, 0.044%; no homozygotes.

Submission:

PreventionGenetics, part of Exact Sciences
Classification: Likely benign for LRP1B-related condition. Last evaluated: 2019-06-17. Review status: no assertion criteria provided. Collection method: clinical testing. Allele origin: germline.
Comment: This variant is classified as likely benign based on ACMG/AMP sequence variant interpretation guidelines (Richards et al. 2015 PMID: 25741868, with internal and published modifications).

NM_018557.3(LRP1B):c.12948C>G (p.Thr4316=)

Gene: LRP1B (LDL receptor related protein 1B; minus strand). Cytogenetic location: 2q22.1.
Variant type: single nucleotide variant.
Coding change: c.12948C>G on transcript NM_018557.3 (MANE Select); coding-DNA position 12948, C replaced by G.
Protein change: p.Thr4316=; no amino-acid change (threonine 4316 retained).
Molecular consequence: synonymous variant.
Genome position (GRCh38, 1-based): chr2:140,297,827, G>C on the plus strand (C>G on the coding strand, the complement: LRP1B is on the minus strand). VCF-style: chr2-140297827-G-C. GRCh37 (hg19) VCF-style: chr2-141055396-G-C.
Identifiers: ClinVar variation 3033188 (VCV003033188.2), dbSNP rs143745437, ClinGen allele CA1892676.